The following is an entry in ClinVar:

ClinVar aggregate classification (germline): Uncertain significance (1 of 4 stars; one submission).

Conditions:
Primary dilated cardiomyopathy (DCM). Also called: Dilated Cardiomyopathy. Identifiers: Orphanet 217604, MedGen C0007193, MeSH D002311, MONDO:0005021, HP:0001644. Inheritance: Various modes of inheritance.

Submission:

Labcorp Genetics (formerly Invitae), Labcorp
Classification: Uncertain significance for Primary dilated cardiomyopathy. Last evaluated: 2025-12-16. Review status: criteria provided, single submitter. Criteria: Invitae Variant Classification Sherloc (09022015). Collection method: clinical testing. Allele origin: germline.
Comment: This sequence change replaces serine, which is neutral and polar, with glycine, which is neutral and non-polar, at codon 966 of the NEBL protein (p.Ser966Gly). This variant is not present in population databases (gnomAD no frequency). This variant has not been reported in the literature in individuals affected with NEBL-related conditions. An algorithm developed to predict the effect of missense changes on protein structure and function (PolyPhen-2) suggests that this variant is likely to be disruptive. In summary, the available evidence is currently insufficient to determine the role of this variant in disease. Therefore, it has been classified as a Variant of Uncertain Significance.

NM_006393.3(NEBL):c.2896A>G (p.Ser966Gly)

Gene: NEBL (nebulette; minus strand). Cytogenetic location: 10p12.31.
Variant type: single nucleotide variant.
Coding change: c.2896A>G on transcript NM_006393.3 (MANE Select); coding-DNA position 2896, A replaced by G.
Protein change: p.Ser966Gly; replaces serine 966 with glycine.
Molecular consequence: missense variant.
Genome position (GRCh38, 1-based): chr10:20,785,896, T>C on the plus strand (A>G on the coding strand, the complement: NEBL is on the minus strand). VCF-style: chr10-20785896-T-C. GRCh37 (hg19) VCF-style: chr10-21074825-T-C.
Other names: c.662A>G, p.Gln221Arg (NM_001173484.2); c.757A>G, p.Ser253Gly (NM_001377322.1); c.616A>G, p.Ser206Gly (NM_001377323.1); c.607A>G, p.Ser203Gly (NM_001377324.1); c.598A>G, p.Ser200Gly (NM_001377325.1); c.556A>G, p.Ser186Gly (NM_001377326.1, NM_001377327.1, NM_001377328.1); c.664A>G, p.Ser222Gly (NM_213569.2); short protein forms Q221R, S222G, S200G, S206G, S966G, S186G, S203G, S253G.
Identifiers: ClinVar variation 4723974 (VCV004723974.1).